The following is an entry in ClinVar:

NM_006270.5(RRAS):c.461G>A (p.Arg154Gln)

Gene: RRAS (RAS related; minus strand). Cytogenetic location: 19q13.33.
Variant type: single nucleotide variant.
Coding change: c.461G>A on transcript NM_006270.5 (MANE Select); coding-DNA position 461, G replaced by A.
Protein change: p.Arg154Gln; replaces arginine 154 with glutamine.
Molecular consequence: missense variant.
Genome position (GRCh38, 1-based): chr19:49,635,845, C>T on the plus strand (G>A on the coding strand, the complement: RRAS is on the minus strand). VCF-style: chr19-49635845-C-T. GRCh37 (hg19) VCF-style: chr19-50139102-C-T.
Other names: short protein forms R154Q.
Identifiers: ClinVar variation 1372718 (VCV001372718.8), dbSNP rs1039650903, ClinGen allele CA309504948.

ClinVar aggregate classification (germline): Uncertain significance. Review status: criteria provided, multiple submitters, no conflicts (2 of 4 stars). 2 submissions from 2 submitters: Uncertain significance (2). Last evaluated 2024-11-16.

Conditions:
Noonan syndrome (NS). Also called: Noonan's syndrome. Identifiers: Orphanet 648, MedGen C0028326, MeSH D009634, MONDO:0018997. Disease mechanism: gain of function.

Allele frequency attached by ClinVar (database versions not stated): gnomAD exomes below 0.00001; gnomAD 0.00003.
gnomAD v4.1: 24 of 548,364 alleles (0.0044%); highest among the groups gnomAD compares: Non-Finnish European, 0.0062%; no homozygotes.

Submissions (2):

Labcorp Genetics (formerly Invitae), Labcorp
Classification: Uncertain significance for Noonan syndrome. Last evaluated: 2024-11-16. Review status: criteria provided, single submitter. Criteria: Invitae Variant Classification Sherloc (09022015). Collection method: clinical testing. Allele origin: germline.
Comment: This sequence change replaces arginine, which is basic and polar, with glutamine, which is neutral and polar, at codon 154 of the RRAS protein (p.Arg154Gln). This variant is present in population databases (no rsID available, gnomAD 0.001%). This variant has not been reported in the literature in individuals affected with RRAS-related conditions. ClinVar contains an entry for this variant (Variation ID: 1372718). An algorithm developed to predict the effect of missense changes on protein structure and function (PolyPhen-2) suggests that this variant is likely to be tolerated. In summary, the available evidence is currently insufficient to determine the role of this variant in disease. Therefore, it has been classified as a Variant of Uncertain Significance.

Ambry Genetics
Classification: Uncertain significance. Last evaluated: 2022-08-22. Review status: criteria provided, single submitter. Criteria: Ambry Variant Classification Scheme 2023. Collection method: clinical testing. Allele origin: germline.
Comment: The p.R154Q variant (also known as c.461G>A), located in coding exon 5 of the RRAS gene, results from a G to A substitution at nucleotide position 461. The arginine at codon 154 is replaced by glutamine, an amino acid with highly similar properties. This amino acid position is conserved. In addition, this alteration is predicted to be tolerated by in silico analysis. Since supporting evidence is limited at this time, the clinical significance of this alteration remains unclear.